The following is an entry in ClinVar:

NM_001142416.2(AIMP1):c.459C>A (p.Ser153=)

Gene: AIMP1 (aminoacyl tRNA synthetase complex interacting multifunctional protein 1; plus strand). Cytogenetic location: 4q24.
Variant type: single nucleotide variant.
Coding change: c.459C>A on transcript NM_001142416.2 (MANE Select); coding-DNA position 459, C replaced by A.
Protein change: p.Ser153=; no amino-acid change (serine 153 retained).
Molecular consequence: synonymous variant.
Genome position (GRCh38, 1-based): chr4:106,331,739, C>A. VCF-style: chr4-106331739-C-A. GRCh37 (hg19) VCF-style: chr4-107252896-C-A.
Other names: c.459C>A, p.Ser153= (NM_001142415.2, NM_004757.4).
Identifiers: ClinVar variation 2200486 (VCV002200486.28), dbSNP rs762369579, ClinGen allele CA3035735.

ClinVar aggregate classification (germline): Likely benign. Review status: criteria provided, multiple submitters, no conflicts (2 of 4 stars). 2 submissions from 2 submitters: Likely benign (2). Last evaluated 2025-06-23.

Allele frequency attached by ClinVar (database versions not stated): ExAC 0.00002; gnomAD exomes 0.00004; gnomAD 0.00005; TOPMed 0.00006.
gnomAD v4.1: 70 of 1,613,808 alleles (0.0043%); highest among the groups gnomAD compares: Non-Finnish European, 0.0056%; no homozygotes.

Submissions (2):

Labcorp Genetics (formerly Invitae), Labcorp
Classification: Likely benign. Last evaluated: 2025-06-23. Review status: criteria provided, single submitter. Criteria: Invitae Variant Classification Sherloc (09022015). Collection method: clinical testing. Allele origin: germline.

CeGaT Center for Human Genetics Tuebingen
Classification: Likely benign. Last evaluated: 2022-05-01. Review status: criteria provided, single submitter. Criteria: CeGaT Center For Human Genetics Tuebingen Variant Classification Criteria Version 2. Collection method: clinical testing. Allele origin: germline. Affected: yes. Observed: 1 variant allele.
Comment: AIMP1: BP4, BP7